The following is an entry in ClinVar:

ClinVar aggregate classification (germline): Uncertain significance (1 of 4 stars; one submission).

Submission:

GeneDx
Classification: Uncertain significance. Last evaluated: 2024-10-10. Review status: criteria provided, single submitter. Criteria: GeneDx Variant Classification Process June 2021. Collection method: clinical testing. Allele origin: germline. Affected: yes.
Comment: Not observed at significant frequency in large population cohorts (gnomAD); In silico analysis indicates that this missense variant does not alter protein structure/function; Has not been previously published as pathogenic or benign to our knowledge

NM_001371928.1(AHDC1):c.2417T>C (p.Leu806Pro)

Gene: AHDC1 (AT-hook DNA binding motif containing 1; minus strand). Cytogenetic location: 1p36.11.
Variant type: single nucleotide variant.
Coding change: c.2417T>C on transcript NM_001371928.1 (MANE Select); coding-DNA position 2417, T replaced by C.
Protein change: p.Leu806Pro; replaces leucine 806 with proline.
Molecular consequence: missense variant.
Genome position (GRCh38, 1-based): chr1:27,549,699, A>G on the plus strand (T>C on the coding strand, the complement: AHDC1 is on the minus strand). VCF-style: chr1-27549699-A-G. GRCh37 (hg19) VCF-style: chr1-27876210-A-G.
Other names: c.2417T>C, p.Leu806Pro (NM_001029882.3); short protein forms L806P.
Identifiers: ClinVar variation 3777518 (VCV003777518.1).